The following is an entry in ClinVar:

ClinVar aggregate classification (germline): Benign (1 of 4 stars; one submission).

Conditions:
Pheochromocytoma/paraganglioma syndrome 1. Also called: PARAGANGLIOMAS, FAMILIAL NONCHROMAFFIN, 1; PGL 1; Paragangliomas familial 1; PARAGANGLIOMATA; Paragangliomas 1; Glomus tumors familial 1. Identifiers: Orphanet 29072, MedGen C3494181, MONDO:0008192, OMIM 168000.

gnomAD v4.1: 3 of 1,610,154 alleles (0.00019%); highest among the groups gnomAD compares: African/African-American, 0.004%; no homozygotes.

Submission:

Myriad Genetics, Inc.
Classification: Benign for Pheochromocytoma/paraganglioma syndrome 1. Last evaluated: 2025-03-18. Review status: criteria provided, single submitter. Criteria: Myriad Autosomal Dominant, Autosomal Recessive and X-Linked Classification Criteria (2023). Collection method: clinical testing. Allele origin: unknown.
Comment: This variant is considered benign. This variant occurs in the non-coding 3' untranslated region of the gene, and is not expected to impact protein function.

NM_003002.4(SDHD):c.*2C>G

Gene: SDHD (succinate dehydrogenase complex subunit D; plus strand). Cytogenetic location: 11q23.1.
Variant type: single nucleotide variant.
Coding change: c.*2C>G on transcript NM_003002.4 (MANE Select); 2 bases downstream of the stop codon, C replaced by G.
Molecular consequence: 3 prime UTR variant. On other transcripts: non-coding transcript variant (1).
Genome position (GRCh38, 1-based): chr11:112,094,972, C>G. VCF-style: chr11-112094972-C-G. GRCh37 (hg19) VCF-style: chr11-111965696-C-G.
Other names: c.*79C>G (NM_001276503.2); c.*2C>G (NM_001276504.2); c.*180C>G (NM_001276506.2).
Identifiers: ClinVar variation 3904575 (VCV003904575.1).